The following is an entry in ClinVar:

NM_032634.4(PIGO):c.2736dup (p.Pro913fs)

Gene: PIGO (phosphatidylinositol glycan anchor biosynthesis class O; minus strand). Cytogenetic location: 9p13.3.
Variant type: Duplication.
Coding change: c.2736dup on transcript NM_032634.4 (MANE Select); coding-DNA position 2736, one base duplicated (T; older notation c.2736dupT).
Protein change: p.Pro913fs; shifts the reading frame from proline 913.
Molecular consequence: frameshift variant.
Genome position (GRCh38, 1-based): chr9:35,090,584, A duplicated on the plus strand (T on the coding strand, the reverse complement: PIGO is on the minus strand); the first of 3 consecutive A bases (chr9:35,090,584-35,090,586); duplicating any one gives the same sequence. VCF-style (leftmost placement, unchanged base first): chr9-35090583-G-GA. GRCh37 (hg19) VCF-style: chr9-35090580-G-GA.
Other names: c.1485dupT (NM_001201484.1); c.1485dup, p.Pro496fs (NM_001201484.2, NM_152850.4); short protein forms P913fs, P496fs.
Identifiers: ClinVar variation 666981 (VCV000666981.4), dbSNP rs1587159769, ClinGen allele CA915947476.
Genomic context (GRCh38, chr9:35,090,583, plus strand): 5'-AAGTACAGGAGCCATGACCCTCTGGGAATCCCACGAAGGCTGCATGCCAATGGATGGCTG[G>GA]AAAGACAGGCTGGTGGCCTGTGGAGTAGAAGGTCTGTGTGGCCATGAGGGCCCAAGCCGA-3'

ClinVar aggregate classification (germline): Likely pathogenic (1 of 4 stars; one submission).

Conditions:
Hyperphosphatasia-intellectual disability syndrome. Identifiers: Orphanet 247262, MedGen C1855923, MONDO:0016596.

Submission:

Laboratory for Molecular Medicine, Mass General Brigham Personalized Medicine
Classification: Likely pathogenic for Hyperphosphatasia-intellectual disability syndrome. Last evaluated: 2018-09-21. Review status: criteria provided, single submitter. Criteria: LMM Criteria. Collection method: clinical testing. Allele origin: germline. Inheritance: Autosomal recessive inheritance. Observed: 1 variant allele.
Comment: The p.Pro496SerfsX53 variant in PIGO has not been previously reported in individ uals with hyperphosphatasia-intellectual disability syndrome, also known as Mabr y syndrome, and was absent from large population studies. This variant is predic ted to cause a frameshift, which alters the protein?s amino acid sequence beginn ing at position 496 and leads to a premature termination codon 53 amino acids do wnstream. This alteration is then predicted to lead to a truncated or absent pro tein. Loss of function of the PIGO gene is strongly associated to autosomal rec essive hyperphosphatasia-intellectual disability syndrome. In summary, although additional studies are required to fully establish its clinical significance, th e p.Pro496SerfsX53 variant is likely pathogenic. ACMG/AMP Criteria applied: PVS1 , PM2.